The following is an entry in ClinVar:

NM_000330.4(RS1):c.302C>T (p.Ala101Val)

Genes: CDKL5 (cyclin dependent kinase like 5; plus strand), RS1 (retinoschisin 1; minus strand). Cytogenetic location: Xp22.13.
Variant type: single nucleotide variant.
Coding change: c.302C>T on transcript NM_000330.4 (MANE Select); coding-DNA position 302, C replaced by T.
Protein change: p.Ala101Val; replaces alanine 101 with valine.
Molecular consequence: missense variant. On other transcripts: intron variant (2).
Genome position (GRCh38, 1-based): chrX:18,647,215, G>A on the plus strand (C>T on the coding strand, the complement: RS1 is on the minus strand). VCF-style: chrX-18647215-G-A. GRCh37 (hg19) VCF-style: chrX-18665335-G-A.
Other names: c.2797+1125G>A (NM_003159.3, NM_001037343.2); short protein forms A101V.
Identifiers: ClinVar variation 1450711 (VCV001450711.7), dbSNP rs2147193941, ClinGen allele CA412372715.

ClinVar aggregate classification (germline): Pathogenic (1 of 4 stars; one submission).

Allele frequency attached by ClinVar (database versions not stated): gnomAD exomes below 0.00001.
gnomAD v4.1: 1 of 1,211,022 alleles (0.000083%); highest among the groups gnomAD compares: Non-Finnish European, 0.00011%; no homozygotes.

Submission:

Labcorp Genetics (formerly Invitae), Labcorp
Classification: Pathogenic. Last evaluated: 2022-03-10. Review status: criteria provided, single submitter. Criteria: Invitae Variant Classification Sherloc (09022015). Collection method: clinical testing. Allele origin: germline.
Comment: For these reasons, this variant has been classified as Pathogenic. This variant disrupts the p.Ala101 amino acid residue in RS1. Other variant(s) that disrupt this residue have been observed in individuals with RS1-related conditions (PMID: 30652005; Invitae), which suggests that this may be a clinically significant amino acid residue. Algorithms developed to predict the effect of sequence changes on RNA splicing suggest that this variant may create or strengthen a splice site. Advanced modeling of protein sequence and biophysical properties (such as structural, functional, and spatial information, amino acid conservation, physicochemical variation, residue mobility, and thermodynamic stability) performed at Invitae indicates that this missense variant is expected to disrupt RS1 protein function. This missense change has been observed in individual(s) with X-linked juvenile retinoschisis (Invitae). This variant is not present in population databases (gnomAD no frequency). This sequence change replaces alanine, which is neutral and non-polar, with valine, which is neutral and non-polar, at codon 101 of the RS1 protein (p.Ala101Val).

Literature cited by the submitters: PubMed 30652005.